The following is an entry in ClinVar:

NM_006019.4(TCIRG1):c.2050G>A (p.Ala684Thr)

Gene: TCIRG1 (T cell immune regulator 1, ATPase H+ transporting V0 subunit a3; plus strand). Cytogenetic location: 11q13.2.
Variant type: single nucleotide variant.
Coding change: c.2050G>A on transcript NM_006019.4 (MANE Select); coding-DNA position 2050, G replaced by A.
Protein change: p.Ala684Thr; replaces alanine 684 with threonine.
Molecular consequence: missense variant.
Genome position (GRCh38, 1-based): chr11:68,049,998, G>A. VCF-style: chr11-68049998-G-A. GRCh37 (hg19) VCF-style: chr11-67817465-G-A.
Other names: c.1156G>A, p.Ala386Thr (NM_001351059.2); c.1402G>A, p.Ala468Thr (NM_006053.4); short protein forms A468T, A386T, A684T.
Identifiers: ClinVar variation 2140086 (VCV002140086.1), dbSNP rs550481991, ClinGen allele CA6147375.
Genomic context (GRCh38, chr11:68,049,998, plus strand): 5'-CAACACTGCCTGCTCATGCCCCAGGAGGAAAACAAGGCCGGGTTGCTGGACCTGCCTGAC[G>A]CATCTGTGAATGGCTGGAGCTCCGATGAGGAAAAGGCAGGGGGCCTGGATGATGAAGAGG-3'
Protein context (NP_006010.2, residues 674-694): NKAGLLDLPD[Ala684Thr]SVNGWSSDEE

ClinVar aggregate classification (germline): Uncertain significance (1 of 4 stars; one submission).

Allele frequency attached by ClinVar (database versions not stated): ExAC 0.00014; 1000 Genomes Project 0.00020; 1000 Genomes Project 30x 0.00031.
gnomAD v4.1: 112 of 1,612,986 alleles (0.0069%); highest among the groups gnomAD compares: South Asian, 0.1%; 1 homozygote.

Submission:

Labcorp Genetics (formerly Invitae), Labcorp
Classification: Uncertain significance. Last evaluated: 2022-07-03. Review status: criteria provided, single submitter. Criteria: Invitae Variant Classification Sherloc (09022015). Collection method: clinical testing. Allele origin: germline.
Comment: This sequence change replaces alanine, which is neutral and non-polar, with threonine, which is neutral and polar, at codon 684 of the TCIRG1 protein (p.Ala684Thr). This variant is present in population databases (rs550481991, gnomAD 0.09%). This variant has not been reported in the literature in individuals affected with TCIRG1-related conditions. Algorithms developed to predict the effect of missense changes on protein structure and function output the following: SIFT: "Tolerated"; PolyPhen-2: "Benign"; Align-GVGD: "Class C0". The threonine amino acid residue is found in multiple mammalian species, which suggests that this missense change does not adversely affect protein function. In summary, the available evidence is currently insufficient to determine the role of this variant in disease. Therefore, it has been classified as a Variant of Uncertain Significance.